The following is an entry in ClinVar:

ClinVar aggregate classification (germline): Uncertain significance (1 of 4 stars; one submission).

gnomAD v4.1: 16 of 1,609,266 alleles (0.00099%); highest among the groups gnomAD compares: Non-Finnish European, 0.0014%; no homozygotes.

Submission:

Labcorp Genetics (formerly Invitae), Labcorp
Classification: Uncertain significance. Last evaluated: 2025-11-18. Review status: criteria provided, single submitter. Criteria: Invitae Variant Classification Sherloc (09022015). Collection method: clinical testing. Allele origin: germline.
Comment: This sequence change replaces glycine, which is neutral and non-polar, with aspartic acid, which is acidic and polar, at codon 71 of the CYC1 protein (p.Gly71Asp). This variant is present in population databases (no rsID available, gnomAD 0.002%). This variant has not been reported in the literature in individuals affected with CYC1-related conditions. Invitae Evidence Modeling of protein sequence and biophysical properties (such as structural, functional, and spatial information, amino acid conservation, physicochemical variation, residue mobility, and thermodynamic stability) has been performed for this missense variant. However, the output from this modeling did not meet the statistical confidence thresholds required to predict the impact of this variant on CYC1 protein function. In summary, the available evidence is currently insufficient to determine the role of this variant in disease. Therefore, it has been classified as a Variant of Uncertain Significance.

NM_001916.5(CYC1):c.212G>A (p.Gly71Asp)

Gene: CYC1 (cytochrome c1; plus strand). Cytogenetic location: 8q24.3.
Variant type: single nucleotide variant.
Coding change: c.212G>A on transcript NM_001916.5 (MANE Select); coding-DNA position 212, G replaced by A.
Protein change: p.Gly71Asp; replaces glycine 71 with aspartic acid.
Molecular consequence: missense variant.
Genome position (GRCh38, 1-based): chr8:144,095,915, G>A. VCF-style: chr8-144095915-G-A. GRCh37 (hg19) VCF-style: chr8-145150818-G-A.
Other names: short protein forms G71D.
Identifiers: ClinVar variation 4748184 (VCV004748184.1).